The following is an entry in ClinVar:

NM_002890.3(RASA1):c.1657dup (p.Tyr553fs)

Genes: CCNH (cyclin H; minus strand), RASA1 (RAS p21 protein activator 1; plus strand). Cytogenetic location: 5q14.3.
Variant type: Duplication.
Coding change: c.1657dup on transcript NM_002890.3 (MANE Select); coding-DNA position 1657, one base duplicated (T; older notation c.1657dupT).
Protein change: p.Tyr553fs; shifts the reading frame from tyrosine 553.
Molecular consequence: frameshift variant. On other transcripts: intron variant (1).
Genome position (GRCh38, 1-based): chr5:87,369,859, T duplicated; the last of 2 consecutive T bases (chr5:87,369,858-87,369,859); duplicating either gives the same sequence. VCF-style (leftmost placement, unchanged base first): chr5-87369857-A-AT. GRCh37 (hg19) VCF-style: chr5-86665674-A-AT.
Other names: c.1126dup, p.Tyr376fs (NM_022650.3); c.933+25186dup (NM_001364075.2); short protein forms Y376fs, Y553fs.
Identifiers: ClinVar variation 1691335 (VCV001691335.2), dbSNP rs2112474795, ClinGen allele CA2573140081.

ClinVar aggregate classification (germline): Pathogenic (1 of 4 stars; one submission).

Conditions:
Capillary infantile hemangioma. Also called: HEMANGIOMA, HEREDITARY CAPILLARY; Hemangioma, capillary infantile, somatic; Hereditary capillary infantile hemangioma. Identifiers: MedGen C1865871, MONDO:0011191, OMIM 602089.

Submission:

Seattle Children's Hospital Molecular Genetics Laboratory, Seattle Children's Hospital
Classification: Pathogenic for Capillary infantile hemangioma. Last evaluated: 2022-01-28. Review status: criteria provided, single submitter. Criteria: ACMG Guidelines, 2015. Collection method: clinical testing. Allele origin: germline. Affected: yes.
Comment: The c.1657dupT (p.Tyr553Leufs*30) variant in exon 12 results in a premature termination codon and is expected to cause loss of protein function. The c.1657dupT variant is absent from large population cohorts (Genome Aggregation Database v2.1). It is also not reported in the medical literature and patient databases, although a nonsense variant at the same amino acid position (p.Tyr553*) has been reported in an individual with a CM-AVM syndrome (PMID: 33502802). Loss-of-function of RASA1 is an established pathogenic mechanism (PMID: 29891884 and others).